The following is an entry in ClinVar:

NM_001142800.2(EYS):c.2280A>G (p.Leu760=)

Gene: EYS (EGF-like photoreceptor maintenance factor; minus strand). Cytogenetic location: 6q12.
Variant type: single nucleotide variant.
Coding change: c.2280A>G on transcript NM_001142800.2 (MANE Select); coding-DNA position 2280, A replaced by G.
Protein change: p.Leu760=; no amino-acid change (leucine 760 retained).
Molecular consequence: synonymous variant.
Genome position (GRCh38, 1-based): chr6:64,945,894, T>C on the plus strand (A>G on the coding strand, the complement: EYS is on the minus strand). VCF-style: chr6-64945894-T-C. GRCh37 (hg19) VCF-style: chr6-65655787-T-C.
Other names: c.2280A>G, p.Leu760= (NM_001292009.2).
Identifiers: ClinVar variation 798420 (VCV000798420.9), dbSNP rs923201434, ClinGen allele CA140384345.

ClinVar aggregate classification (germline): Likely benign. Review status: criteria provided, multiple submitters, no conflicts (2 of 4 stars). 2 submissions from 2 submitters: Likely benign (2). Last evaluated 2024-11-07.

Conditions:
EYS-related disorder. Also called: EYS-related condition.

Allele frequency attached by ClinVar (database versions not stated): TOPMed below 0.00001; gnomAD exomes 0.00001 and 0.00004.
gnomAD v4.1: 10 of 1,547,182 alleles (0.00065%); highest among the groups gnomAD compares: Admixed American, 0.016%; no homozygotes.

Submissions (2):

PreventionGenetics, part of Exact Sciences
Classification: Likely benign for EYS-related condition. Last evaluated: 2024-11-07. Review status: criteria provided, single submitter. Criteria: ACMG Guidelines, 2015. Collection method: clinical testing. Allele origin: germline.
Comment: This variant is classified as likely benign based on ACMG/AMP sequence variant interpretation guidelines (Richards et al. 2015 PMID: 25741868, with internal and published modifications).

Labcorp Genetics (formerly Invitae), Labcorp
Classification: Likely benign. Last evaluated: 2024-10-21. Review status: criteria provided, single submitter. Criteria: Invitae Variant Classification Sherloc (09022015). Collection method: clinical testing. Allele origin: germline.